The following is an entry in ClinVar:

NM_032551.5(KISS1R):c.623A>G (p.Asn208Ser)

Gene: KISS1R (KISS1 receptor; plus strand). Cytogenetic location: 19p13.3.
Variant type: single nucleotide variant.
Coding change: c.623A>G on transcript NM_032551.5 (MANE Select); coding-DNA position 623, A replaced by G.
Protein change: p.Asn208Ser; replaces asparagine 208 with serine.
Molecular consequence: missense variant.
Genome position (GRCh38, 1-based): chr19:919,991, A>G. VCF-style: chr19-919991-A-G. GRCh37 (hg19) VCF-style: chr19-919991-A-G.
Other names: c.623A>G (NM_032551.4); short protein forms N208S.
Identifiers: ClinVar variation 2195663 (VCV002195663.3), dbSNP rs970373223, ClinGen allele CA303956533.

ClinVar aggregate classification (germline): Uncertain significance. Review status: criteria provided, multiple submitters, no conflicts (2 of 4 stars). 2 submissions from 2 submitters: Uncertain significance (2). Last evaluated 2023-04-25.

Conditions:
Inborn genetic diseases. Identifiers: MedGen C0950123, MeSH D030342.

Allele frequency attached by ClinVar (database versions not stated): gnomAD exomes below 0.00001; TOPMed below 0.00001.
gnomAD v4.1: 3 of 1,560,228 alleles (0.00019%); highest among the groups gnomAD compares: Admixed American, 0.0018%; no homozygotes.

Submissions (2):

Ambry Genetics
Classification: Uncertain significance for Inborn genetic diseases. Last evaluated: 2023-04-25. Review status: criteria provided, single submitter. Criteria: Ambry Variant Classification Scheme 2023. Collection method: clinical testing. Allele origin: germline.

Labcorp Genetics (formerly Invitae), Labcorp
Classification: Uncertain significance. Last evaluated: 2022-06-28. Review status: criteria provided, single submitter. Criteria: Invitae Variant Classification Sherloc (09022015). Collection method: clinical testing. Allele origin: germline.
Comment: This sequence change replaces asparagine, which is neutral and polar, with serine, which is neutral and polar, at codon 208 of the KISS1R protein (p.Asn208Ser). This variant is not present in population databases (gnomAD no frequency). This variant has not been reported in the literature in individuals affected with KISS1R-related conditions. Algorithms developed to predict the effect of missense changes on protein structure and function are either unavailable or do not agree on the potential impact of this missense change (SIFT: "Tolerated"; PolyPhen-2: "Possibly Damaging"; Align-GVGD: "Class C0"). Algorithms developed to predict the effect of sequence changes on RNA splicing suggest that this variant may create or strengthen a splice site. In summary, the available evidence is currently insufficient to determine the role of this variant in disease. Therefore, it has been classified as a Variant of Uncertain Significance.